The following is an entry in ClinVar:

ClinVar aggregate classification (germline): Pathogenic. Review status: criteria provided, multiple submitters, no conflicts (2 of 4 stars). 9 submissions from 9 submitters: Pathogenic (8). 1 of the submissions does not count toward it. Last evaluated 2026-03-03.

Conditions:
Polycystic kidney disease, adult type (PKD1). Also called: POLYCYSTIC KIDNEY DISEASE, ADULT, TYPE I; Polycystic Kidney Disease 1, Autosomal Dominant; Polycystic kidney disease 1; Polycystic kidney disease 1, severe; Polycystic Kidney, Autosomal Dominant; POLYCYSTIC KIDNEY DISEASE 1 WITH OR WITHOUT POLYCYSTIC LIVER DISEASE. Identifiers: MedGen C3149841, MONDO:0008263, OMIM 173900.
Cystic renal disease.
Polycystic kidney disease. Also called: Polycystic kidney dysplasia; Kidney, Polycystic. Identifiers: MedGen C0022680, MeSH D007690, MONDO:0020642, HP:0000113.
Inborn genetic diseases. Identifiers: MedGen C0950123, MeSH D030342.

Allele frequency attached by ClinVar (database versions not stated): gnomAD exomes below 0.00001; ExAC 0.00001.
gnomAD v4.1: 2 of 1,612,614 alleles (0.00012%); highest among the groups gnomAD compares: East Asian, 0.0022%; no homozygotes.

Submissions (9):

Genetics Laboratory, Great Ormond Street Hospital NHS Foundation Trust, North Thames Genomic Laboratory Hub
Classification: Pathogenic for Cystic renal disease. Last evaluated: 2026-03-03. Review status: criteria provided, single submitter. Criteria: ACGS Best Practice Guidelines for Variant Classification in Rare Disease 2024 v1.2. Collection method: clinical testing. Allele origin: germline. Affected: yes.
Comment: PS4_moderate, PM2_moderate, PVS1_very-strong, PS1_strong

Variantyx, Inc.
Classification: Pathogenic for Polycystic kidney disease, adult type. Last evaluated: 2025-10-23. Review status: criteria provided, single submitter. Criteria: Variantyx Assertion Criteria 2022. Collection method: clinical testing. Allele origin: germline. Inheritance: Autosomal dominant inheritance. Affected: yes.
Comment: This is a nonsense variant in the PKD1 gene (OMIM: 601313). Pathogenic variants in this gene have been associated with autosomal semidominant polycystic kidney disease. This variant introduces a premature termination codon in exon 44 out of 46 and is expected to result in loss of function, which is a known disease mechanism for PKD1 in this disorder (PMID: 32967521) (PVS1). It has been reported in many unrelated affected individuals with autosomal dominant polycystic kidney disease (PMID: 22508176, 30586318, 37509056) (PS4_Very_Strong), and it has a 0.0028% maximum allele frequency in non-founder control populations (PM2). The clinical symptoms reported in this proband are highly specific for autosomal recessive early onset polycystic kidney disease, which has a limited genetic etiology (PP4). Based on the current evidence, this variant is classified as pathogenic for autosomal semidominant polycystic kidney disease. Penetrance associated with a single heterozygous pathogenic variant, is age and genotype-dependent (PMID: 20301501).

Women's Health and Genetics/Laboratory Corporation of America, LabCorp
Classification: Pathogenic for Polycystic kidney disease, adult type. Last evaluated: 2025-07-28. Review status: criteria provided, single submitter. Criteria: LabCorp Variant Classification Summary - May 2015. Collection method: clinical testing. Allele origin: germline.
Comment: Variant summary: PKD1 c.12035G>A (p.Trp4012X) results in a premature termination codon, predicted to cause a truncation of the encoded protein or absence of the protein due to nonsense mediated decay, which are commonly known mechanisms for disease. The variant allele was found at a frequency of 4.1e-06 in 245934 control chromosomes. c.12035G>A has been observed in individuals affected with Polycystic Kidney Disease (e.g., Xu_2024). The following publication has been ascertained in the context of this evaluation (PMID: 38527221). ClinVar contains an entry for this variant (Variation ID: 523384). Based on the evidence outlined above, the variant was classified as pathogenic.

GeneDx
Classification: Pathogenic. Last evaluated: 2022-11-23. Review status: criteria provided, single submitter. Criteria: GeneDx Variant Classification Process June 2021. Collection method: clinical testing. Allele origin: germline. Affected: yes.
Comment: Nonsense variant predicted to result in protein truncation or nonsense mediated decay in a gene for which loss of function is a known mechanism of disease; Not observed at significant frequency in large population cohorts (gnomAD); This variant is associated with the following publications: (PMID: 30586318, 30369598, 22508176)

Fulgent Genetics
Classification: Pathogenic for Polycystic kidney disease, adult type. Last evaluated: 2022-02-02. Review status: criteria provided, single submitter. Criteria: ACMG Guidelines, 2015. Collection method: clinical testing. Allele origin: unknown.

Victorian Clinical Genetics Services, Murdoch Childrens Research Institute
Classification: Pathogenic for Polycystic kidney disease, adult type. Last evaluated: 2021-05-06. Review status: criteria provided, single submitter. Criteria: ACMG Guidelines, 2015. Collection method: clinical testing. Allele origin: germline. Inheritance: Autosomal dominant inheritance. Affected: yes.
Comment: Based on the classification scheme VCGS_Germline_v1.3.4, this variant is classified as Pathogenic. Following criteria are met: 0102 - Loss of function is a known mechanism of disease in this gene and is associated with polycystic kidney disease 1 (MIM#173900). (I) 0107 - This gene is associated with autosomal dominant disease. Polycystic kidney disease 1 (MIM#173900) is predominantly caused by monoallelic variants, with rare reports of biallelic variants causing disease (OMIM). (I) 0201 - Variant is predicted to cause nonsense-mediated decay (NMD) and loss of protein (premature termination codon is located at least 54 nucleotides upstream of the final exon-exon junction). (SP) 0251 - This variant is heterozygous. (I) 0302 - Variant is present in gnomAD (v2) <0.001 for a dominant condition (1 heterozygote, 0 homozygotes). (SP) 0701 - Other NMD-predicted variants comparable to the one identified in this case have very strong previous evidence for pathogenicity. Many other loss of function variants have previously been reported as pathogenic in individuals with polycystic kidney disease 1 (MIM#173900) (ClinVar, DECIPHER, PMID: 31807928). (SP) 0801 - This variant has strong previous evidence of pathogenicity in unrelated individuals. The variant has previously been reported as pathogenic in multiple individuals with polycystic kidney disease 1 (MIM#173900) (ClinVar, LOVD, PMID: 31807928). (SP) 1102 - Strong phenotype match for this individual. (SP) 1208 - Inheritance information for this variant is not currently available in this individual. (I) Legend: (SP) - Supporting pathogenic, (I) - Information, (SB) - Supporting benign

Ambry Genetics
Classification: Pathogenic for Inborn genetic diseases. Last evaluated: 2017-08-07. Review status: criteria provided, single submitter. Criteria: Ambry exome assertion method (8-5-2015). Collection method: clinical testing. Allele origin: germline. Affected: yes. Observed: 1 variant allele.

Centre for Mendelian Genomics, University Medical Centre Ljubljana
Classification: Pathogenic for Polycystic kidney disease. Last evaluated: 2017-01-01. Review status: criteria provided, single submitter. Criteria: ACMG Guidelines, 2015. Collection method: clinical testing. Allele origin: unknown. Affected: yes.

Gharavi Laboratory, Columbia University
Classification: Pathogenic. Last evaluated: 2018-09-16. Review status: no assertion criteria provided. Criteria: ACMG Guidelines, 2015. Collection method: research. Allele origin: germline. Affected: yes. Not counted in ClinVar's aggregate classification.

Literature cited by the submitters: PubMed 22508176 (cited by Variantyx, Inc. and Ambry Genetics); PubMed 30586318 (cited by Variantyx, Inc.); PubMed 37509056 (cited by Variantyx, Inc.); PubMed 38527221 (cited by Women's Health and Genetics/Laboratory Corporation of America, LabCorp); PubMed 31807928 (cited by Victorian Clinical Genetics Services, Murdoch Childrens Research Institute); PubMed 9345095 (cited by Ambry Genetics).

NM_001009944.3(PKD1):c.12035G>A (p.Trp4012Ter)

Gene: PKD1 (polycystin 1, transient receptor potential channel interacting; minus strand). Cytogenetic location: 16p13.3.
Variant type: single nucleotide variant.
Coding change: c.12035G>A on transcript NM_001009944.3 (MANE Select); coding-DNA position 12035, G replaced by A.
Protein change: p.Trp4012Ter; replaces tryptophan 4012 with a stop codon.
Molecular consequence: nonsense.
Genome position (GRCh38, 1-based): chr16:2,090,777, C>T on the plus strand (G>A on the coding strand, the complement: PKD1 is on the minus strand). VCF-style: chr16-2090777-C-T. GRCh37 (hg19) VCF-style: chr16-2140778-C-T.
Other names: c.12032G>A, p.Trp4011Ter (NM_000296.4); short protein forms W4012*, W4011*.
Identifiers: ClinVar variation 523384 (VCV000523384.11), dbSNP rs777269070, ClinGen allele CA7828865.